The following is an entry in ClinVar:

NM_206926.2(SELENON):c.1613C>A (p.Thr538Asn)

Gene: SELENON (selenoprotein N; plus strand). Cytogenetic location: 1p36.11.
Variant type: single nucleotide variant.
Coding change: c.1613C>A on transcript NM_206926.2 (MANE Select); coding-DNA position 1613, C replaced by A.
Protein change: p.Thr538Asn; replaces threonine 538 with asparagine.
Molecular consequence: missense variant.
Genome position (GRCh38, 1-based): chr1:25,815,660, C>A. VCF-style: chr1-25815660-C-A. GRCh37 (hg19) VCF-style: chr1-26142151-C-A.
Other names: p.Thr572Asn; c.1715C>A, p.Thr572Asn (NM_020451.3); short protein forms T572N, T538N.
Identifiers: ClinVar variation 281048 (VCV000281048.40), dbSNP rs183272965, ClinGen allele CA696975.

ClinVar aggregate classification (germline): Conflicting classifications of pathogenicity. Review status: criteria provided, conflicting classifications (1 of 4 stars). 7 submissions from 7 submitters: Uncertain significance (4); Likely benign (2). 1 of the submissions does not count toward it. Last evaluated 2026-01-18.

Conditions:
SELENON-related disorder. Also called: SELENON-related condition.
Congenital myopathy with fiber type disproportion. Also called: Congenital fiber-type disproportion myopathy; Congenital fiber-type disproportion. Identifiers: Orphanet 2020, MedGen C0546264, MONDO:0009711. Inheritance: all.
Eichsfeld type congenital muscular dystrophy (CMYO3). Also called: MYOPATHY, SEPN1-RELATED; SELENON-related myopathy; Congenital myopathy 3 with rigid spine; Rigid spine muscular dystrophy 1. Identifiers: MedGen C0410180, MONDO:0100100, OMIM 602771.

Allele frequency attached by ClinVar (database versions not stated): gnomAD exomes 0.00030; ExAC 0.00040; ESP Exome Variant Server 0.00104; gnomAD 0.00114 and 0.00124; 1000 Genomes Project 30x 0.00125; 1000 Genomes Project 0.00140; TOPMed 0.00140.
gnomAD v4.1: 342 of 1,614,204 alleles (0.021%); highest among the groups gnomAD compares: African/African-American, 0.41%; 3 homozygotes.

Submissions (7):

Labcorp Genetics (formerly Invitae), Labcorp
Classification: Likely benign for Eichsfeld type congenital muscular dystrophy. Last evaluated: 2026-01-18. Review status: criteria provided, single submitter. Criteria: Invitae Variant Classification Sherloc (09022015). Collection method: clinical testing. Allele origin: germline.

Mayo Clinic Laboratories, Mayo Clinic
Classification: Uncertain significance. Last evaluated: 2024-12-13. Review status: criteria provided, single submitter. Criteria: ACMG Guidelines, 2015. Collection method: clinical testing. Allele origin: germline. Observed: 3 variant alleles.
Comment: BS1

CeGaT Center for Human Genetics Tuebingen
Classification: Likely benign. Last evaluated: 2024-04-01. Review status: criteria provided, single submitter. Criteria: CeGaT Center For Human Genetics Tuebingen Variant Classification Criteria Version 2. Collection method: clinical testing. Allele origin: germline. Affected: yes. Observed: 1 variant allele.
Comment: SELENON: BS1

Fulgent Genetics
Classification: Uncertain significance for Congenital myopathy 4A, autosomal dominant; Eichsfeld type congenital muscular dystrophy. Last evaluated: 2018-10-31. Review status: criteria provided, single submitter. Criteria: ACMG Guidelines, 2015. Collection method: clinical testing. Allele origin: unknown.

GeneDx
Classification: Uncertain significance. Last evaluated: 2017-04-07. Review status: criteria provided, single submitter. Criteria: GeneDx Variant Classification (06012015). Collection method: clinical testing. Allele origin: germline. Affected: yes.
Comment: The T572N variant has not been published as a pathogenic variant, nor has it been reported as a benign variant to our knowledge. The T572N variant is observed in 42/9798 (0.43%) alleles from individuals of African background (Lek et al., 2016; 1000 Genomes Consortium et al., 2015; Exome Variant Server). This variant is a conservative amino acid substitution, which is not likely to impact secondary protein structure as these residues share similar properties. However, this substitution occurs at a position that is conserved across species, and in silico analysis is inconsistent in its predictions as to whether or not the variant is damaging to the protein structure/function.

Eurofins Ntd Llc (ga)
Classification: Uncertain significance. Last evaluated: 2016-12-29. Review status: criteria provided, single submitter. Criteria: EGL Classification Definitions 2015. Collection method: clinical testing. Allele origin: germline. Observed: 3 variant alleles, 3 heterozygotes.

PreventionGenetics, part of Exact Sciences
Classification: Likely benign for SELENON-related condition. Last evaluated: 2023-06-06. Review status: no assertion criteria provided. Collection method: clinical testing. Allele origin: germline. Not counted in ClinVar's aggregate classification.
Comment: This variant is classified as likely benign based on ACMG/AMP sequence variant interpretation guidelines (Richards et al. 2015 PMID: 25741868, with internal and published modifications).